The following is an entry in ClinVar:

NM_000083.3(CLCN1):c.1827G>T (p.Met609Ile)

Gene: CLCN1 (chloride voltage-gated channel 1; plus strand). Cytogenetic location: 7q34.
Variant type: single nucleotide variant.
Coding change: c.1827G>T on transcript NM_000083.3 (MANE Select); coding-DNA position 1827, G replaced by T.
Protein change: p.Met609Ile; replaces methionine 609 with isoleucine.
Molecular consequence: missense variant. On other transcripts: non-coding transcript variant (1).
Genome position (GRCh38, 1-based): chr7:143,342,402, G>T. VCF-style: chr7-143342402-G-T. GRCh37 (hg19) VCF-style: chr7-143039495-G-T.
Other names: short protein forms M609I.
Identifiers: ClinVar variation 3754134 (VCV003754134.2).

ClinVar aggregate classification (germline): Uncertain significance (1 of 4 stars; one submission).

Conditions:
Congenital myotonia, autosomal dominant form (THD). Also called: THOMSEN DISEASE; Myotonia congenita autosomal dominant. Identifiers: Orphanet 614, MedGen C2936781, MONDO:0008055, OMIM 160800.
Congenital myotonia, autosomal recessive form. Also called: Becker Generalized Myotonia; myotonia congenita, autosomal recessive; BECKER DISEASE. Identifiers: Orphanet 614, MedGen C0751360, MONDO:0009715, OMIM 255700.

Submission:

Labcorp Genetics (formerly Invitae), Labcorp
Classification: Uncertain significance for Congenital myotonia, autosomal recessive form; Congenital myotonia, autosomal dominant form. Last evaluated: 2024-06-23. Review status: criteria provided, single submitter. Criteria: Invitae Variant Classification Sherloc (09022015). Collection method: clinical testing. Allele origin: germline.
Comment: This sequence change replaces methionine, which is neutral and non-polar, with isoleucine, which is neutral and non-polar, at codon 609 of the CLCN1 protein (p.Met609Ile). This variant is not present in population databases (gnomAD no frequency). This variant has not been reported in the literature in individuals affected with CLCN1-related conditions. Advanced modeling of protein sequence and biophysical properties (such as structural, functional, and spatial information, amino acid conservation, physicochemical variation, residue mobility, and thermodynamic stability) performed at Invitae indicates that this missense variant is expected to disrupt CLCN1 protein function with a positive predictive value of 95%. In summary, the available evidence is currently insufficient to determine the role of this variant in disease. Therefore, it has been classified as a Variant of Uncertain Significance.